The following is an entry in ClinVar:

ClinVar aggregate classification (germline): Uncertain significance (1 of 4 stars; one submission).

Conditions:
Hereditary cancer-predisposing syndrome. Also called: Neoplastic Syndromes, Hereditary; Tumor predisposition; Hereditary neoplastic syndrome; Hereditary Cancer Syndrome. Identifiers: Orphanet 140162, MedGen C0027672, MeSH D009386, MONDO:0015356.

Submission:

Ambry Genetics
Classification: Uncertain significance for Hereditary cancer-predisposing syndrome. Last evaluated: 2024-02-05. Review status: criteria provided, single submitter. Criteria: Ambry Variant Classification Scheme 2023. Collection method: clinical testing. Allele origin: germline.
Comment: The p.I736F variant (also known as c.2206A>T), located in coding exon 20 of the POLE gene, results from an A to T substitution at nucleotide position 2206. The isoleucine at codon 736 is replaced by phenylalanine, an amino acid with highly similar properties. This amino acid position is conserved. In addition, this alteration is predicted to be tolerated by in silico analysis. Based on the available evidence, the clinical significance of this alteration remains unclear.

NM_006231.4(POLE):c.2206A>T (p.Ile736Phe)

Gene: POLE (DNA polymerase epsilon, catalytic subunit; minus strand). Cytogenetic location: 12q24.33.
Variant type: single nucleotide variant.
Coding change: c.2206A>T on transcript NM_006231.4 (MANE Select); coding-DNA position 2206, A replaced by T.
Protein change: p.Ile736Phe; replaces isoleucine 736 with phenylalanine.
Molecular consequence: missense variant.
Genome position (GRCh38, 1-based): chr12:132,667,616, T>A on the plus strand (A>T on the coding strand, the complement: POLE is on the minus strand). VCF-style: chr12-132667616-T-A. GRCh37 (hg19) VCF-style: chr12-133244202-T-A.
Other names: short protein forms I736F.
Identifiers: ClinVar variation 3225410 (VCV003225410.1), dbSNP rs1246940718, ClinGen allele CA387352301.